The following is an entry in ClinVar:

ClinVar aggregate classification (germline): Pathogenic/Likely pathogenic. Review status: criteria provided, multiple submitters, no conflicts (2 of 4 stars). 2 submissions from 2 submitters: Pathogenic (1); Likely pathogenic (1). Last evaluated 2026-02-13.

Conditions:
Autosomal recessive congenital ichthyosis 10 (ARCI10). Identifiers: Orphanet 79394, MedGen C3554355, MONDO:0014011, OMIM 615024.

Allele frequency attached by ClinVar (database versions not stated): gnomAD 0.00002; TOPMed 0.00002; ExAC 0.00003; gnomAD exomes 0.00003.
gnomAD v4.1: 17 of 1,614,084 alleles (0.0011%); highest among the groups gnomAD compares: Admixed American, 0.0067%; no homozygotes.

Submissions (2):

OLLIN Analises Genomicas, OLLIN
Classification: Likely pathogenic for Autosomal recessive congenital ichthyosis 10. Last evaluated: 2026-02-13. Review status: criteria provided, single submitter. Criteria: ACMG Guidelines 2015 PMID 25741868. Collection method: clinical testing. Allele origin: germline. Observed: 1 variant allele.
Comment: PVS1, PM2_P, PM3, PP1_S, PP4

Labcorp Genetics (formerly Invitae), Labcorp
Classification: Pathogenic. Last evaluated: 2026-01-09. Review status: criteria provided, single submitter. Criteria: Invitae Variant Classification Sherloc (09022015). Collection method: clinical testing. Allele origin: germline.
Comment: This sequence change creates a premature translational stop signal (p.Arg298*) in the PNPLA1 gene. It is expected to result in an absent or disrupted protein product. Loss-of-function variants in PNPLA1 are known to be pathogenic (PMID: 22246504, 28093717). This variant is present in population databases (rs778158406, gnomAD 0.01%). This premature translational stop signal has been observed in individual(s) with congenital ichthyosis (PMID: 31120544). ClinVar contains an entry for this variant (Variation ID: 1323478). Algorithms developed to predict the effect of sequence changes on RNA splicing suggest that this variant may disrupt the consensus splice site. For these reasons, this variant has been classified as Pathogenic.

Literature cited by the submitters: PubMed 22246504 (cited by Labcorp Genetics (formerly Invitae), Labcorp); PubMed 28093717 (cited by Labcorp Genetics (formerly Invitae), Labcorp); PubMed 31120544 (cited by Labcorp Genetics (formerly Invitae), Labcorp).

NM_001374623.1(PNPLA1):c.892C>T (p.Arg298Ter)

Gene: PNPLA1 (patatin like domain 1, omega-hydroxyceramide transacylase; plus strand). Cytogenetic location: 6p21.31.
Variant type: single nucleotide variant.
Coding change: c.892C>T on transcript NM_001374623.1 (MANE Select); coding-DNA position 892, C replaced by T.
Protein change: p.Arg298Ter; replaces arginine 298 with a stop codon.
Molecular consequence: nonsense.
Genome position (GRCh38, 1-based): chr6:36,301,977, C>T. VCF-style: chr6-36301977-C-T. GRCh37 (hg19) VCF-style: chr6-36269754-C-T.
Other names: c.892C>T, p.Arg298Ter (NM_001145717.1); c.634C>T, p.Arg212Ter (NM_001145716.2); c.607C>T, p.Arg203Ter (NM_173676.2); short protein forms R203*, R212*, R298*.
Identifiers: ClinVar variation 1323478 (VCV001323478.5), dbSNP rs778158406, ClinGen allele CA3777890.